The following is an entry in ClinVar:

ClinVar aggregate classification (germline): Pathogenic. Review status: criteria provided, multiple submitters, no conflicts (2 of 4 stars). 4 submissions from 4 submitters: Pathogenic (4). Last evaluated 2026-09-18.

Conditions:
Acyl-CoA dehydrogenase 9 deficiency. Also called: Acyl-CoA dehydrogenase family, member 9, deficiency of; MITOCHONDRIAL COMPLEX I DEFICIENCY, NUCLEAR TYPE 20. Identifiers: Orphanet 99901, MedGen C4747517, MONDO:0012624, OMIM 611126.
ACAD9-related disorder. Also called: ACAD9-related condition.

Allele frequency attached by ClinVar (database versions not stated): gnomAD exomes below 0.00001.
gnomAD v4.1: 2 of 1,612,822 alleles (0.00012%); highest among the groups gnomAD compares: Non-Finnish European, 0.00017%; no homozygotes.

Submissions (4):

PreventionGenetics, part of Exact Sciences
Classification: Pathogenic for ACAD9-related condition. Last evaluated: 2026-09-18. Review status: criteria provided, single submitter. Criteria: ACMG Guidelines, 2015. Collection method: clinical testing. Allele origin: germline.
Comment: The ACAD9 c.187G>T variant is predicted to result in premature protein termination (p.Glu63*). This variant has been reported in individuals with ACAD9 associated disorders (see for example, Nouws et al. 2010. PubMed ID: 20816094; Valencia et al. 2016. PubMed ID: 27483465). This variant has not been reported in a large population database (gnomAD), indicating this variant is rare. Nonsense variants in ACAD9 are expected to be pathogenic. This variant is interpreted as pathogenic.

GeneDx
Classification: Pathogenic. Last evaluated: 2024-07-24. Review status: criteria provided, single submitter. Criteria: GeneDx Variant Classification Process June 2021. Collection method: clinical testing. Allele origin: germline. Affected: yes.
Comment: Nonsense variant predicted to result in protein truncation or nonsense mediated decay in a gene for which loss of function is a known mechanism of disease; Not observed at significant frequency in large population cohorts (gnomAD); This variant is associated with the following publications: (PMID: 25525159, 29379558, 20816094, 27483465, 26826406, 30025539)

Fulgent Genetics
Classification: Pathogenic for Acyl-CoA dehydrogenase 9 deficiency. Last evaluated: 2024-06-07. Review status: criteria provided, single submitter. Criteria: ACMG Guidelines, 2015. Collection method: clinical testing. Allele origin: germline.

Labcorp Genetics (formerly Invitae), Labcorp
Classification: Pathogenic. Last evaluated: 2024-02-25. Review status: criteria provided, single submitter. Criteria: Invitae Variant Classification Sherloc (09022015). Collection method: clinical testing. Allele origin: germline.
Comment: This sequence change creates a premature translational stop signal (p.Glu63*) in the ACAD9 gene. It is expected to result in an absent or disrupted protein product. Loss-of-function variants in ACAD9 are known to be pathogenic (PMID: 25721401). This variant is not present in population databases (gnomAD no frequency). This premature translational stop signal has been observed in individual(s) with ACAD9-related conditions (PMID: 20816094, 26826406). ClinVar contains an entry for this variant (Variation ID: 1456248). Algorithms developed to predict the effect of sequence changes on RNA splicing suggest that this variant may disrupt the consensus splice site. For these reasons, this variant has been classified as Pathogenic.

Literature cited by the submitters: PubMed 25721401 (cited by Labcorp Genetics (formerly Invitae), Labcorp); PubMed 20816094 (cited by Labcorp Genetics (formerly Invitae), Labcorp); PubMed 26826406 (cited by Labcorp Genetics (formerly Invitae), Labcorp).

NM_014049.5(ACAD9):c.187G>T (p.Glu63Ter)

Gene: ACAD9 (acyl-CoA dehydrogenase family member 9; plus strand). Cytogenetic location: 3q21.3.
Variant type: single nucleotide variant.
Coding change: c.187G>T on transcript NM_014049.5 (MANE Select); coding-DNA position 187, G replaced by T.
Protein change: p.Glu63Ter; replaces glutamic acid 63 with a stop codon.
Molecular consequence: nonsense. On other transcripts: non-coding transcript variant (1).
Genome position (GRCh38, 1-based): chr3:128,884,689, G>T. VCF-style: chr3-128884689-G-T. GRCh37 (hg19) VCF-style: chr3-128603532-G-T.
Other names: c.187G>T (NM_014049.4); short protein forms E63*.
Identifiers: ClinVar variation 1456248 (VCV001456248.9), dbSNP rs996004696, ClinGen allele CA82516353.